The following is an entry in ClinVar:

ClinVar aggregate classification (germline): Uncertain significance. Review status: criteria provided, multiple submitters, no conflicts (2 of 4 stars). 9 submissions from 9 submitters: Uncertain significance (8). 1 of the submissions does not count toward it. Last evaluated 2026-01-18.

Conditions:
Familial adenomatous polyposis 2. Also called: COLORECTAL ADENOMATOUS POLYPOSIS, AUTOSOMAL RECESSIVE; MYH-associated polyposis; FAP type 2; Adenomas, multiple colorectal; MUTYH-associated polyposis; MUTYH-related attenuated familial adenomatous polyposis. Identifiers: Orphanet 220460, Orphanet 247798, MedGen C3272841, MONDO:0012041, OMIM 608456.
Gastric cancer. Also called: Stomach cancer; Malignant tumor of stomach. Identifiers: MedGen C0024623, MeSH D013274, MONDO:0001056, OMIM 613659, HP:0012126.
Hereditary cancer-predisposing syndrome. Also called: Tumor predisposition; Hereditary Cancer Syndrome; Hereditary neoplastic syndrome; Neoplastic Syndromes, Hereditary. Identifiers: Orphanet 140162, MedGen C0027672, MeSH D009386, MONDO:0015356.

Allele frequency attached by ClinVar (database versions not stated): TOPMed 0.00001.
gnomAD v4.1: 5 of 1,614,084 alleles (0.00031%); highest among the groups gnomAD compares: Middle Eastern, 0.033%; no homozygotes.

Submissions (9):

Labcorp Genetics (formerly Invitae), Labcorp
Classification: Uncertain significance for Familial adenomatous polyposis 2. Last evaluated: 2026-01-18. Review status: criteria provided, single submitter. Criteria: Invitae Variant Classification Sherloc (09022015). Collection method: clinical testing. Allele origin: germline.
Comment: This sequence change replaces leucine, which is neutral and non-polar, with valine, which is neutral and non-polar, at codon 420 of the MUTYH protein (p.Leu420Val). This variant is present in population databases (no rsID available, gnomAD 0.0009%). This missense change has been observed in individual(s) with breast cancer (PMID: 28202063). ClinVar contains an entry for this variant (Variation ID: 220923). An algorithm developed to predict the effect of missense changes on protein structure and function (PolyPhen-2) suggests that this variant is likely to be tolerated. In summary, the available evidence is currently insufficient to determine the role of this variant in disease. Therefore, it has been classified as a Variant of Uncertain Significance.

Department of Pathology and Laboratory Medicine, Sinai Health System
Classification: Uncertain significance for Familial adenomatous polyposis 2; Gastric cancer. Last evaluated: 2024-11-20. Review status: criteria provided, single submitter. Criteria: ACMG Guidelines, 2015. Collection method: clinical testing. Allele origin: germline.

Ambry Genetics
Classification: Uncertain significance for Hereditary cancer-predisposing syndrome. Last evaluated: 2024-07-08. Review status: criteria provided, single submitter. Criteria: Ambry Variant Classification Scheme 2023. Collection method: clinical testing. Allele origin: germline.
Comment: The p.L420V variant (also known as c.1258C>G), located in coding exon 13 of the MUTYH gene, results from a C to G substitution at nucleotide position 1258. The leucine at codon 420 is replaced by valine, an amino acid with highly similar properties. This alteration was detected in a cohort of 45 Lebanese breast cancer patients undergoing whole exome sequencing (Jalkh N et al. BMC Med Genomics, 2017 02;10:8). This amino acid position is highly conserved in available vertebrate species. In addition, the in silico prediction for this alteration is inconclusive. Based on the available evidence, the clinical significance of this variant remains unclear.

Baylor Genetics
Classification: Uncertain significance for Familial adenomatous polyposis 2. Last evaluated: 2023-11-03. Review status: criteria provided, single submitter. Criteria: ACMG Guidelines, 2015. Collection method: clinical testing. Allele origin: unknown.

All of Us Research Program, National Institutes of Health
Classification: Uncertain significance for Familial adenomatous polyposis 2. Last evaluated: 2023-10-02. Review status: criteria provided, single submitter. Criteria: ACMG Guidelines, 2015. Collection method: clinical testing. Allele origin: germline. Inheritance: Autosomal recessive inheritance. Observed: 2 variant alleles, 2 heterozygotes.
Comment: This missense variant replaces leucine with valine at codon 420 of the MUTYH protein. This variant is also known as c.1216C>G (p.Leu406Val) based on an alternative transcript (NM_001048171). Computational prediction is inconclusive regarding the impact of this variant on protein structure and function (internally defined REVEL score threshold 0.5 < inconclusive < 0.7, PMID: 27666373). Splice site prediction tools suggest that this variant may not impact RNA splicing. To our knowledge, functional studies have not been performed for this variant. This variant has been reported in an individual affected with breast cancer (PMID: 28202063; Sas 2015). This variant has also been identified in 1/251166 chromosomes in the general population by the Genome Aggregation Database (gnomAD). The available evidence is insufficient to determine the role of this variant in disease conclusively. Therefore, this variant is classified as a Variant of Uncertain Significance.

This study involves interpretation of variants in research participants for the purpose of population health screening. Participant phenotype was not available at the time of variant classification. Additional details can be found in publication PMID: 35346344, PMCID: PMC8962531

Color Diagnostics, LLC DBA Color Health
Classification: Uncertain significance for Hereditary cancer-predisposing syndrome. Last evaluated: 2023-06-20. Review status: criteria provided, single submitter. Criteria: ACMG Guidelines, 2015. Collection method: clinical testing. Allele origin: germline.
Comment: This missense variant replaces leucine with valine at codon 420 of the MUTYH protein. This variant is also known as c.1216C>G (p.Leu406Val) based on an alternative transcript (NM_001048171). Computational prediction is inconclusive regarding the impact of this variant on protein structure and function (internally defined REVEL score threshold 0.5 < inconclusive < 0.7, PMID: 27666373). To our knowledge, functional studies have not been performed for this variant. This variant has been reported in an individual affected with breast cancer (PMID: 28202063; Sas 2015). This variant has also been identified in 1/251166 chromosomes in the general population by the Genome Aggregation Database (gnomAD). The available evidence is insufficient to determine the role of this variant in disease conclusively. Therefore, this variant is classified as a Variant of Uncertain Significance.

Women's Health and Genetics/Laboratory Corporation of America, LabCorp
Classification: Uncertain significance. Last evaluated: 2020-06-16. Review status: criteria provided, single submitter. Criteria: LabCorp Variant Classification Summary - May 2015. Collection method: clinical testing. Allele origin: germline.
Comment: Variant summary: MUTYH c.1258C>G (p.Leu420Val) results in a conservative amino acid change located in the NUDIX hydrolase domain (IPR000086) / MutY, C-terminal (IPR029119) of the encoded protein sequence. Three of five in-silico tools predict a benign effect of the variant on protein function. The variant allele was found at a frequency of 4e-06 in 251166 control chromosomes (gnomAD). The available data on variant occurrences in the general population are insufficient to allow any conclusion about variant significance. c.1258C>G has been reported in the literature in individuals affected with breast cancer (Jalkh_2017). This report, however does not provide unequivocal conclusions about association of the variant with MUTYH-Associated Polyposis. To our knowledge, no experimental evidence demonstrating an impact on protein function has been reported. Five ClinVar submitters (evaluation after 2014) cite the variant as uncertain significance. Based on the evidence outlined above, the variant was classified as uncertain significance.

Mendelics
Classification: Uncertain significance for MYH-associated polyposis. Last evaluated: 2018-07-02. Review status: criteria provided, single submitter. Criteria: Mendelics Assertion Criteria 2017. Collection method: clinical testing. Allele origin: unknown.

Counsyl
Classification: Uncertain significance for Familial adenomatous polyposis 2. Last evaluated: 2016-06-23. Review status: no assertion criteria provided. Collection method: clinical testing. Allele origin: unknown. Not counted in ClinVar's aggregate classification.

Literature cited by the submitters: PubMed 28202063 (cited by 6 submitters).

NM_001048174.2(MUTYH):c.1174C>G (p.Leu392Val)

Gene: MUTYH (mutY DNA glycosylase; minus strand). Cytogenetic location: 1p34.1.
Variant type: single nucleotide variant.
Coding change: c.1174C>G on transcript NM_001048174.2 (MANE Select); coding-DNA position 1174, C replaced by G.
Protein change: p.Leu392Val; replaces leucine 392 with valine.
Molecular consequence: missense variant. On other transcripts: non-coding transcript variant (2).
Genome position (GRCh38, 1-based): chr1:45,331,485, G>C on the plus strand (C>G on the coding strand, the complement: MUTYH is on the minus strand). VCF-style: chr1-45331485-G-C. GRCh37 (hg19) VCF-style: chr1-45797157-G-C.
Other names: c.1174C>G, p.Leu392Val (NM_001048171.2, NM_001048173.2, NM_001293195.2); c.1177C>G, p.Leu393Val (NM_001048172.2); c.1258C>G, p.Leu420Val (NM_001128425.2); c.1219C>G, p.Leu407Val (NM_001293190.2); c.1207C>G, p.Leu403Val (NM_001293191.2); c.898C>G, p.Leu300Val (NM_001293192.2, NM_001293196.2); c.829C>G, p.Leu277Val (NM_001350650.2, NM_001350651.2); c.1249C>G, p.Leu417Val (NM_012222.3); short protein forms L420V, L406V, L403V, L417V, L393V, L300V, L277V, L392V.
Identifiers: ClinVar variation 220923 (VCV000220923.28), dbSNP rs144079536, ClinGen allele CA350056.
Genomic context (GRCh38, chr1:45,331,485, plus strand): 5'-CAAGGTGCCGGAGGTGCGTGGCTGGGAGGGGCCCAGCCCAACGCTGTAGTTCCTGCAGCA[G>C]GGCCTTGCGCTGAAGCTGCTCTGAGGGCTCCCAGGTCACGGACGGGAACTCCCACAGTCC-3'
Protein context (NP_001041639.1, residues 382-402): EPSEQLQRKA[Leu392Val]LQELQRWAGP